The following is an entry in ClinVar:

NM_000327.4(ROM1):c.98G>A (p.Gly33Asp)

Gene: ROM1 (retinal outer segment membrane protein 1; plus strand). Cytogenetic location: 11q12.3.
Variant type: single nucleotide variant.
Coding change: c.98G>A on transcript NM_000327.4 (MANE Select); coding-DNA position 98, G replaced by A.
Protein change: p.Gly33Asp; replaces glycine 33 with aspartic acid.
Molecular consequence: missense variant.
Genome position (GRCh38, 1-based): chr11:62,613,379, G>A. VCF-style: chr11-62613379-G-A. GRCh37 (hg19) VCF-style: chr11-62380851-G-A.
Other names: short protein forms G33D.
Identifiers: ClinVar variation 963972 (VCV000963972.10), dbSNP rs745531803, ClinGen allele CA6049646.

ClinVar aggregate classification (germline): Uncertain significance. Review status: criteria provided, multiple submitters, no conflicts (2 of 4 stars). 2 submissions from 2 submitters: Uncertain significance (2). Last evaluated 2025-12-03.

Allele frequency attached by ClinVar (database versions not stated): gnomAD exomes 0.00001; TOPMed 0.00001; ExAC 0.00002.
gnomAD v4.1: 9 of 1,613,644 alleles (0.00056%); highest among the groups gnomAD compares: Middle Eastern, 0.033%; no homozygotes.

Submissions (2):

Ambry Genetics
Classification: Uncertain significance. Last evaluated: 2025-12-03. Review status: criteria provided, single submitter. Criteria: Ambry Variant Classification Scheme 2023. Collection method: clinical testing. Allele origin: germline.

Labcorp Genetics (formerly Invitae), Labcorp
Classification: Uncertain significance. Last evaluated: 2025-05-03. Review status: criteria provided, single submitter. Criteria: Invitae Variant Classification Sherloc (09022015). Collection method: clinical testing. Allele origin: germline.
Comment: This sequence change replaces glycine, which is neutral and non-polar, with aspartic acid, which is acidic and polar, at codon 33 of the ROM1 protein (p.Gly33Asp). This variant is present in population databases (rs745531803, gnomAD 0.002%). This variant has not been reported in the literature in individuals affected with ROM1-related conditions. ClinVar contains an entry for this variant (Variation ID: 963972). Invitae Evidence Modeling of protein sequence and biophysical properties (such as structural, functional, and spatial information, amino acid conservation, physicochemical variation, residue mobility, and thermodynamic stability) indicates that this missense variant is not expected to disrupt ROM1 protein function with a negative predictive value of 80%. In summary, the available evidence is currently insufficient to determine the role of this variant in disease. Therefore, it has been classified as a Variant of Uncertain Significance.